The following is an entry in ClinVar:

NM_012250.6(RRAS2):c.197-3T>C

Gene: RRAS2 (RAS related 2; minus strand). Cytogenetic location: 11p15.2.
Variant type: single nucleotide variant.
Coding change: c.197-3T>C on transcript NM_012250.6 (MANE Select); 3 bases into the intron before coding-DNA position 197, T replaced by C.
Molecular consequence: intron variant.
Genome position (GRCh38, 1-based): chr11:14,294,865, A>G on the plus strand (T>C on the coding strand, the complement: RRAS2 is on the minus strand). VCF-style: chr11-14294865-A-G. GRCh37 (hg19) VCF-style: chr11-14316411-A-G.
Other names: c.92-3T>C (NM_001177314.2); c.197-3T>C (NM_001440708.1); c.-35-3T>C (NM_001102669.3, NM_001440711.1, NM_001440715.1 and 6 more transcripts).
Identifiers: ClinVar variation 4990793 (VCV004990793.1).

ClinVar aggregate classification (germline): Likely benign (1 of 4 stars; one submission).

Conditions:
RRAS2-related disorder. Also called: RRAS2-related condition.

gnomAD v4.1: 50 of 1,612,114 alleles (0.0031%); highest among the groups gnomAD compares: Non-Finnish European, 0.0037%; no homozygotes.

Submission:

PreventionGenetics, part of Exact Sciences
Classification: Likely benign for RRAS2-related condition. Last evaluated: 2025-03-30. Review status: criteria provided, single submitter. Criteria: ACMG Guidelines, 2015. Collection method: clinical testing. Allele origin: germline.
Comment: This variant is classified as likely benign based on ACMG/AMP sequence variant interpretation guidelines (Richards et al. 2015 PMID: 25741868, with internal and published modifications).